The following is an entry in ClinVar:

NM_000059.4(BRCA2):c.10112C>T (p.Thr3371Ile)

Gene: BRCA2 (BRCA2 DNA repair associated; plus strand). Cytogenetic location: 13q13.1.
Variant type: single nucleotide variant.
Coding change: c.10112C>T on transcript NM_000059.4 (MANE Select); coding-DNA position 10112, C replaced by T.
Protein change: p.Thr3371Ile; replaces threonine 3371 with isoleucine.
Molecular consequence: missense variant.
Genome position (GRCh38, 1-based): chr13:32,398,625, C>T. VCF-style: chr13-32398625-C-T. GRCh37 (hg19) VCF-style: chr13-32972762-C-T.
Other names: c.10016C>T, p.Thr3339Ile (NM_001406719.1); c.10061C>T, p.Thr3354Ile (NM_001406720.1); c.5180C>T, p.Thr1727Ile (NM_001406721.1); c.3695C>T, p.Thr1232Ile (NM_001406722.1); short protein forms T1232I, T3354I, T1727I, T3339I, T3371I.
Identifiers: ClinVar variation 1728931 (VCV001728931.2), dbSNP rs80358394, ClinGen allele CA387768042.

ClinVar aggregate classification (germline): Uncertain significance (1 of 4 stars; one submission).

Conditions:
Hereditary cancer-predisposing syndrome. Also called: Tumor predisposition; Neoplastic Syndromes, Hereditary; Hereditary Cancer Syndrome; Hereditary neoplastic syndrome. Identifiers: Orphanet 140162, MedGen C0027672, MeSH D009386, MONDO:0015356.

Submission:

Ambry Genetics
Classification: Uncertain significance for Hereditary cancer-predisposing syndrome. Last evaluated: 2020-05-21. Review status: criteria provided, single submitter. Criteria: Ambry Variant Classification Scheme 2023. Collection method: clinical testing. Allele origin: germline.
Comment: The p.T3371I variant (also known as c.10112C>T), located in coding exon 26 of the BRCA2 gene, results from a C to T substitution at nucleotide position 10112. The threonine at codon 3371 is replaced by isoleucine, an amino acid with similar properties. This amino acid position is not well conserved in available vertebrate species. In addition, this alteration is predicted to be tolerated by in silico analysis. Since supporting evidence is limited at this time, the clinical significance of this alteration remains unclear.